The following is an entry in ClinVar:

ClinVar aggregate classification (germline): Conflicting classifications of pathogenicity. Review status: criteria provided, conflicting classifications (1 of 4 stars). 4 submissions from 4 submitters: Uncertain significance (3); Likely benign (1). Last evaluated 2026-02-12.

Conditions:
JAG1-related disorder. Also called: JAG1-related disorders; JAG1-related condition.
Cardiovascular phenotype. Identifiers: MedGen CN230736.
Alagille syndrome due to a JAG1 point mutation. Also called: JAG1-Related Alagille Syndrome; HEPATIC DUCTULAR HYPOPLASIA, SYNDROMATIC; Alagille Syndrome 1. Identifiers: Orphanet 261619, Orphanet 52, MedGen C1956125, MONDO:0016862, OMIM 118450.
Tetralogy of Fallot (TOF). Identifiers: Orphanet 3303, MedGen C0039685, MONDO:0008542, OMIM 187500, HP:0001636.
Deafness, congenital heart defects, and posterior embryotoxon (DCHE). Identifiers: MedGen C1866053, MONDO:0060713, OMIM 617992.
Charcot-Marie-Tooth disease, axonal, Type 2HH. Also called: CHARCOT-MARIE-TOOTH NEUROPATHY, TYPE 2HH. Identifiers: MedGen C5562003, MONDO:0030458, OMIM 619574.

Allele frequency attached by ClinVar (database versions not stated): gnomAD 0.00001; TOPMed 0.00001; ExAC 0.00002; gnomAD exomes 0.00003.
gnomAD v4.1: 40 of 1,614,056 alleles (0.0025%); highest among the groups gnomAD compares: East Asian, 0.013%; no homozygotes.

Submissions (4):

PreventionGenetics, part of Exact Sciences
Classification: Uncertain significance for JAG1-related condition. Last evaluated: 2026-02-12. Review status: criteria provided, single submitter. Criteria: ACMG Guidelines, 2015. Collection method: clinical testing. Allele origin: germline.
Comment: The JAG1 c.506C>T variant is predicted to result in the amino acid substitution p.Thr169Met. To our knowledge, this variant has not been reported in the literature in individuals with JAG1-related disease. This variant is reported in 0.0054% of alleles in individuals of East Asian descent in gnomAD. Statistical evidence in gnomAD suggests the JAG1 gene is intolerant of missense variation. This variant has conflicting interpretations in ClinVar ranging from likely benign to uncertain (ClinVar ID: 2049576). At this time, the clinical significance of this variant is uncertain due to the absence of conclusive functional and genetic evidence.

Labcorp Genetics (formerly Invitae), Labcorp
Classification: Likely benign for Alagille syndrome due to a JAG1 point mutation. Last evaluated: 2026-02-03. Review status: criteria provided, single submitter. Criteria: Invitae Variant Classification Sherloc (09022015). Collection method: clinical testing. Allele origin: germline.

Fulgent Genetics
Classification: Uncertain significance for Alagille syndrome due to a JAG1 point mutation; Tetralogy of Fallot; Deafness, congenital heart defects, and posterior embryotoxon; Charcot-Marie-Tooth disease, axonal, Type 2HH. Last evaluated: 2024-05-02. Review status: criteria provided, single submitter. Criteria: ACMG Guidelines, 2015. Collection method: clinical testing. Allele origin: germline.

Ambry Genetics
Classification: Uncertain significance for Cardiovascular phenotype. Last evaluated: 2023-10-08. Review status: criteria provided, single submitter. Criteria: Ambry Variant Classification Scheme 2023. Collection method: clinical testing. Allele origin: germline.
Comment: The p.T169M variant (also known as c.506C>T), located in coding exon 4 of the JAG1 gene, results from a C to T substitution at nucleotide position 506. The threonine at codon 169 is replaced by methionine, an amino acid with similar properties. This amino acid position is conserved. In addition, the in silico prediction for this alteration is inconclusive. Since supporting evidence is limited at this time, the clinical significance of this alteration remains unclear.

NM_000214.3(JAG1):c.506C>T (p.Thr169Met)

Gene: JAG1 (jagged canonical Notch ligand 1; minus strand). Cytogenetic location: 20p12.2.
Variant type: single nucleotide variant.
Coding change: c.506C>T on transcript NM_000214.3 (MANE Select); coding-DNA position 506, C replaced by T.
Protein change: p.Thr169Met; replaces threonine 169 with methionine.
Molecular consequence: missense variant.
Genome position (GRCh38, 1-based): chr20:10,658,656, G>A on the plus strand (C>T on the coding strand, the complement: JAG1 is on the minus strand). VCF-style: chr20-10658656-G-A. GRCh37 (hg19) VCF-style: chr20-10639304-G-A.
Other names: short protein forms T169M.
Identifiers: ClinVar variation 2049576 (VCV002049576.9), dbSNP rs745324562, ClinGen allele CA9765117.